The following is an entry in ClinVar:

NM_170784.3(MKKS):c.1205A>C (p.Lys402Thr)

Gene: MKKS (MKKS centrosomal shuttling protein; minus strand). Cytogenetic location: 20p12.2.
Variant type: single nucleotide variant.
Coding change: c.1205A>C on transcript NM_170784.3 (MANE Select); coding-DNA position 1205, A replaced by C.
Protein change: p.Lys402Thr; replaces lysine 402 with threonine.
Molecular consequence: missense variant. On other transcripts: non-coding transcript variant (1).
Genome position (GRCh38, 1-based): chr20:10,407,683, T>G on the plus strand (A>C on the coding strand, the complement: MKKS is on the minus strand). VCF-style: chr20-10407683-T-G. GRCh37 (hg19) VCF-style: chr20-10388331-T-G.
Other names: c.1205A>C, p.Lys402Thr (NM_018848.3); short protein forms K402T.
Identifiers: ClinVar variation 4992987 (VCV004992987.1).
Genomic context (GRCh38, chr20:10,407,683, plus strand): 5'-CTGATATATGCAGCCAAATGAGTTTCAGTACAGCCACCTCCCAACAAAGCCCATGGTTCC[T>G]TGAGTGTTAACTGCAGGACATGCAGTGCCGTCTGACACGTGAGCTAAGAAAAAACCCAAA-3'
Protein context (NP_740754.1, residues 392-412): TALHVLQLTL[Lys402Thr]EPWALLGGGC

ClinVar aggregate classification (germline): Uncertain significance (1 of 4 stars; one submission).

Conditions:
MKKS-related disorder. Also called: MKKS-related disorders; MKKS-related condition.

Submission:

PreventionGenetics, part of Exact Sciences
Classification: Uncertain significance for MKKS-related condition. Last evaluated: 2025-08-22. Review status: criteria provided, single submitter. Criteria: ACMG Guidelines, 2015. Collection method: clinical testing. Allele origin: germline.
Comment: The MKKS c.1205A>C variant is predicted to result in the amino acid substitution p.Lys402Thr. To our knowledge, this variant has not been reported in the literature or in a large population database (gnomAD), indicating this variant is rare. At this time, the clinical significance of this variant is uncertain due to the absence of conclusive functional and genetic evidence.